The following is an entry in ClinVar:

NM_177438.3(DICER1):c.2651-3A>C

Gene: DICER1 (dicer 1, ribonuclease III; minus strand). Cytogenetic location: 14q32.13.
Variant type: single nucleotide variant.
Coding change: c.2651-3A>C on transcript NM_177438.3 (MANE Select); 3 bases into the intron before coding-DNA position 2651, A replaced by C.
Molecular consequence: intron variant.
Genome position (GRCh38, 1-based): chr14:95,107,764, T>G on the plus strand (A>C on the coding strand, the complement: DICER1 is on the minus strand). VCF-style: chr14-95107764-T-G. GRCh37 (hg19) VCF-style: chr14-95574101-T-G.
Other names: c.2651-3A>C (NM_001291628.2, NM_030621.4, NM_001395677.1 and 12 more transcripts); c.2246-3A>C (NM_001395690.1, NM_001395687.1, NM_001395689.1 and 2 more transcripts); c.2369-3A>C (NM_001395686.1); c.2084-3A>C (NM_001395691.1); c.968-3A>C (NM_001395697.1).
Identifiers: ClinVar variation 4997187 (VCV004997187.1).

ClinVar aggregate classification (germline): Likely benign (1 of 4 stars; one submission).

Conditions:
DICER1-related disorder. Also called: DICER1-related condition.

Submission:

PreventionGenetics, part of Exact Sciences
Classification: Likely benign for DICER1-related condition. Last evaluated: 2024-10-30. Review status: criteria provided, single submitter. Criteria: ACMG Guidelines, 2015. Collection method: clinical testing. Allele origin: germline.
Comment: This variant is classified as likely benign based on ACMG/AMP sequence variant interpretation guidelines (Richards et al. 2015 PMID: 25741868, with internal and published modifications).